The following is an entry in ClinVar:

ClinVar aggregate classification (germline): Uncertain significance (1 of 4 stars; one submission).

Conditions:
Inborn genetic diseases. Identifiers: MedGen C0950123, MeSH D030342.

Submission:

Ambry Genetics
Classification: Uncertain significance for Inborn genetic diseases. Last evaluated: 2025-03-04. Review status: criteria provided, single submitter. Criteria: Ambry Variant Classification Scheme 2023. Collection method: clinical testing. Allele origin: germline.
Comment: The p.E911Q variant (also known as c.2731G>C), located in coding exon 11 of the MECOM gene, results from a G to C substitution at nucleotide position 2731. The glutamic acid at codon 911 is replaced by glutamine, an amino acid with highly similar properties. This amino acid position is conserved. In addition, this alteration is predicted to be tolerated by in silico analysis. Based on the available evidence, the clinical significance of this variant remains unclear.

NM_004991.4(MECOM):c.2731G>C (p.Glu911Gln)

Gene: MECOM (MDS1 and EVI1 complex locus; minus strand). Cytogenetic location: 3q26.2.
Variant type: single nucleotide variant.
Coding change: c.2731G>C on transcript NM_004991.4 (MANE Select); coding-DNA position 2731, G replaced by C.
Protein change: p.Glu911Gln; replaces glutamic acid 911 with glutamine.
Molecular consequence: missense variant.
Genome position (GRCh38, 1-based): chr3:169,102,100, C>G on the plus strand (G>C on the coding strand, the complement: MECOM is on the minus strand). VCF-style: chr3-169102100-C-G. GRCh37 (hg19) VCF-style: chr3-168819888-C-G.
Other names: c.2362G>C, p.Glu788Gln (NM_001105077.4); c.2167G>C, p.Glu723Gln (NM_001105078.4, NM_001205194.2, NM_001366469.2 and 1 more transcripts); c.2143G>C, p.Glu715Gln (NM_001163999.2, NM_001366470.2); c.2140G>C, p.Glu714Gln (NM_001164000.2, NM_001366471.2, NM_001366472.2); c.2704G>C, p.Glu902Gln (NM_001366466.2); c.2170G>C, p.Glu724Gln (NM_001366467.2, NM_001366468.2); c.1732G>C, p.Glu578Gln (NM_001366473.2); c.1168G>C, p.Glu390Gln (NM_001366474.2); short protein forms E714Q, E390Q, E723Q, E724Q, E911Q, E715Q, E788Q, E578Q.
Identifiers: ClinVar variation 3871876 (VCV003871876.1).